The following is an entry in ClinVar:

ClinVar aggregate classification (germline): Likely benign (1 of 4 stars; one submission).

Allele frequency attached by ClinVar (database versions not stated): 1000 Genomes Project 30x 0.00219; 1000 Genomes Project 0.00240; ESP Exome Variant Server 0.00372; TOPMed 0.00509; gnomAD 0.00565; ExAC 0.00631; gnomAD exomes 0.00686.
gnomAD v4.1: 10,796 of 1,612,714 alleles (0.67%); highest among the groups gnomAD compares: Non-Finnish European, 0.8%; 52 homozygotes.

Submission:

CeGaT Center for Human Genetics Tuebingen
Classification: Likely benign. Last evaluated: 2022-05-01. Review status: criteria provided, single submitter. Criteria: CeGaT Center For Human Genetics Tuebingen Variant Classification Criteria Version 2. Collection method: clinical testing. Allele origin: germline. Affected: yes. Observed: 1 variant allele.
Comment: ANKRD30B: BP4, BP7

NM_001367607.2(ANKRD30B):c.258A>G (p.Ala86=)

Gene: ANKRD30B (ankyrin repeat domain 30B; plus strand). Cytogenetic location: 18p11.21.
Variant type: single nucleotide variant.
Coding change: c.258A>G on transcript NM_001367607.2 (MANE Select); coding-DNA position 258, A replaced by G.
Protein change: p.Ala86=; no amino-acid change (alanine 86 retained).
Molecular consequence: synonymous variant. On other transcripts: non-coding transcript variant (1).
Genome position (GRCh38, 1-based): chr18:14,752,602, A>G. VCF-style: chr18-14752602-A-G. GRCh37 (hg19) VCF-style: chr18-14752601-A-G.
Other names: c.258A>G, p.Ala86= (NM_001029862.1).
Identifiers: ClinVar variation 2648607 (VCV002648607.24), dbSNP rs200428778, ClinGen allele CA8903847.